The following is an entry in ClinVar:

NM_005591.4(MRE11):c.256G>A (p.Asp86Asn)

Gene: MRE11 (MRE11 double strand break repair nuclease; minus strand). Cytogenetic location: 11q21.
Variant type: single nucleotide variant.
Coding change: c.256G>A on transcript NM_005591.4 (MANE Select); coding-DNA position 256, G replaced by A.
Protein change: p.Asp86Asn; replaces aspartic acid 86 with asparagine.
Molecular consequence: missense variant.
Genome position (GRCh38, 1-based): chr11:94,485,982, C>T on the plus strand (G>A on the coding strand, the complement: MRE11 is on the minus strand). VCF-style: chr11-94485982-C-T. GRCh37 (hg19) VCF-style: chr11-94219148-C-T.
Other names: NP_005582.1:p.Asp86Asn; c.256G>A, p.Asp86Asn (NM_001330347.2, NM_005590.4); short protein forms D86N.
Identifiers: ClinVar variation 479713 (VCV000479713.12), dbSNP rs763902512, ClinGen allele CA6235434.

ClinVar aggregate classification (germline): Uncertain significance. Review status: criteria provided, multiple submitters, no conflicts (2 of 4 stars). 4 submissions from 4 submitters: Uncertain significance (4). Last evaluated 2025-08-31.

Conditions:
Ataxia-telangiectasia-like disorder (ATLD). Identifiers: MedGen C1858391, MONDO:0011457.
Ataxia-telangiectasia-like disorder 1 (ATLD1). Identifiers: Orphanet 251347, MedGen C4012790, MONDO:0024557, OMIM 604391.
Hereditary cancer-predisposing syndrome. Also called: Hereditary Cancer Syndrome; Neoplastic Syndromes, Hereditary; Tumor predisposition; Hereditary neoplastic syndrome. Identifiers: Orphanet 140162, MedGen C0027672, MeSH D009386, MONDO:0015356.
Hereditary breast ovarian cancer syndrome. Also called: Hereditary breast and ovarian cancer syndrome; Hereditary breast and ovarian cancer; Hereditary breast and ovarian cancer syndrome (HBOC); Breast and ovarian cancer; Hereditary breast and/or ovarian cancer syndrome; BRCA1- and BRCA2-Associated Hereditary Breast and Ovarian Cancer. Identifiers: Orphanet 145, MedGen C0677776, MeSH D061325, MONDO:0003582. Disease mechanism: loss of function.

Allele frequency attached by ClinVar (database versions not stated): gnomAD exomes 0.00001; ExAC 0.00002; gnomAD 0.00002; TOPMed 0.00003.
gnomAD v4.1: 10 of 1,613,672 alleles (0.00062%); highest among the groups gnomAD compares: African/African-American, 0.011%; no homozygotes.

Submissions (4):

Ambry Genetics
Classification: Uncertain significance for Hereditary cancer-predisposing syndrome. Last evaluated: 2025-08-31. Review status: criteria provided, single submitter. Criteria: Ambry Variant Classification Scheme 2023. Collection method: clinical testing. Allele origin: germline.
Comment: The p.D86N variant (also known as c.256G>A), located in coding exon 3 of the MRE11A gene, results from a G to A substitution at nucleotide position 256. The aspartic acid at codon 86 is replaced by asparagine, an amino acid with highly similar properties. This amino acid position is highly conserved in available vertebrate species. In addition, the in silico prediction for this alteration is inconclusive. Since supporting evidence is limited at this time, the clinical significance of this alteration remains unclear.

Baylor Genetics
Classification: Uncertain significance for Ataxia-telangiectasia-like disorder 1. Last evaluated: 2023-10-06. Review status: criteria provided, single submitter. Criteria: ACMG Guidelines, 2015. Collection method: clinical testing. Allele origin: unknown.

Labcorp Genetics (formerly Invitae), Labcorp
Classification: Uncertain significance for Ataxia-telangiectasia-like disorder. Last evaluated: 2022-08-22. Review status: criteria provided, single submitter. Criteria: Invitae Variant Classification Sherloc (09022015). Collection method: clinical testing. Allele origin: germline.
Comment: This sequence change replaces aspartic acid, which is acidic and polar, with asparagine, which is neutral and polar, at codon 86 of the MRE11 protein (p.Asp86Asn). This variant is present in population databases (rs763902512, gnomAD 0.02%). This missense change has been observed in individual(s) with breast cancer (PMID: 32959997). ClinVar contains an entry for this variant (Variation ID: 479713). Algorithms developed to predict the effect of missense changes on protein structure and function are either unavailable or do not agree on the potential impact of this missense change (SIFT: "Tolerated"; PolyPhen-2: "Possibly Damaging"; Align-GVGD: "Class C0"). In summary, the available evidence is currently insufficient to determine the role of this variant in disease. Therefore, it has been classified as a Variant of Uncertain Significance.

National Health Laboratory Service, Universitas Academic Hospital and University of the Free State
Classification: Uncertain significance for Hereditary breast ovarian cancer syndrome. Last evaluated: 2022-04-19. Review status: criteria provided, single submitter. Criteria: ACMG Guidelines, 2015. Collection method: clinical testing. Allele origin: germline. Affected: yes. Observed: 1 variant allele.

Literature cited by the submitters: PubMed 32959997 (cited by Labcorp Genetics (formerly Invitae), Labcorp).